The following is an entry in ClinVar:

ClinVar aggregate classification (germline): Likely benign. Review status: criteria provided, multiple submitters, no conflicts (2 of 4 stars). 2 submissions from 2 submitters: Likely benign (2). Last evaluated 2024-12-06.

Conditions:
BAP1-related tumor predisposition syndrome (TPDS1). Also called: TUMOR PREDISPOSITION SYNDROME 1; Tumor susceptibility linked to germline BAP1 mutations; COMMON Syndrome; BAP1 tumor predisposition syndrome. Identifiers: Orphanet 289539, MedGen C3280492, MONDO:0013692, OMIM 614327.

Allele frequency attached by ClinVar (database versions not stated): gnomAD exomes below 0.00001.

Submissions (2):

Labcorp Genetics (formerly Invitae), Labcorp
Classification: Likely benign for BAP1-related tumor predisposition syndrome. Last evaluated: 2024-12-06. Review status: criteria provided, single submitter. Criteria: Invitae Variant Classification Sherloc (09022015). Collection method: clinical testing. Allele origin: germline.

Myriad Genetics, Inc.
Classification: Likely benign for BAP1-related tumor predisposition syndrome. Last evaluated: 2024-07-12. Review status: criteria provided, single submitter. Criteria: Myriad Autosomal Dominant, Autosomal Recessive and X-Linked Classification Criteria (2023). Collection method: clinical testing. Allele origin: unknown.
Comment: This variant is considered likely benign. This variant is intronic and is not expected to impact mRNA splicing.

NM_004656.4(BAP1):c.660-13G>A

Gene: BAP1 (BRCA1 associated deubiquitinase 1; minus strand). Cytogenetic location: 3p21.1.
Variant type: single nucleotide variant.
Coding change: c.660-13G>A on transcript NM_004656.4 (MANE Select); 13 bases into the intron before coding-DNA position 660, G replaced by A.
Molecular consequence: intron variant.
Genome position (GRCh38, 1-based): chr3:52,406,389, C>T on the plus strand (G>A on the coding strand, the complement: BAP1 is on the minus strand). VCF-style: chr3-52406389-C-T. GRCh37 (hg19) VCF-style: chr3-52440405-C-T.
Identifiers: ClinVar variation 1545052 (VCV001545052.9), dbSNP rs1705158856, ClinGen allele CA1364842175.